The following is an entry in ClinVar:

NM_001519.4(BRF1):c.666C>A (p.Gly222=)

Gene: BRF1 (BRF1 general transcription factor IIIB subunit; minus strand). Cytogenetic location: 14q32.33.
Variant type: single nucleotide variant.
Coding change: c.666C>A on transcript NM_001519.4 (MANE Select); coding-DNA position 666, C replaced by A.
Protein change: p.Gly222=; no amino-acid change (glycine 222 retained).
Molecular consequence: synonymous variant. On other transcripts: intron variant (1).
Genome position (GRCh38, 1-based): chr14:105,241,293, G>T on the plus strand (C>A on the coding strand, the complement: BRF1 is on the minus strand). VCF-style: chr14-105241293-G-T. GRCh37 (hg19) VCF-style: chr14-105707630-G-T.
Other names: c.321C>A, p.Gly107= (NM_001242786.2, NM_001242787.2); c.585C>A, p.Gly195= (NM_001242788.2); c.54C>A, p.Gly18= (NM_145685.3); c.-21+7856C>A (NM_001242789.2).
Identifiers: ClinVar variation 3898486 (VCV003898486.7).
Genomic context (GRCh38, chr14:105,241,293, plus strand): 5'-AGCATCCCCCAGGCAGGCAGGGCCCGCTGTACCTGCTCCGCAGAGGCCCGAGGGGCGCCG[G>T]CCTGTGTGCATCCAGTCCCGCTTCATCCTCTGTAGGAGCCTCAGGGCAGTCATGGACACC-3'
Protein context (NP_001510.2, residues 212-232): QRMKRDWMHT[Gly222=]RRPSGLCGAA

ClinVar aggregate classification (germline): Likely benign (1 of 4 stars; one submission).

gnomAD v4.1: 5 of 1,612,268 alleles (0.00031%); highest among the groups gnomAD compares: African/African-American, 0.004%; no homozygotes.

Submission:

CeGaT Center for Human Genetics Tuebingen
Classification: Likely benign. Last evaluated: 2025-04-01. Review status: criteria provided, single submitter. Criteria: CeGaT Center For Human Genetics Tuebingen Variant Classification Criteria Version 2. Collection method: clinical testing. Allele origin: germline. Affected: yes. Observed: 1 variant allele.
Comment: BRF1: BP4, BP7